The following is an entry in ClinVar:

ClinVar aggregate classification (germline): Uncertain significance. Review status: criteria provided, multiple submitters, no conflicts (2 of 4 stars). 2 submissions from 2 submitters: Uncertain significance (2). Last evaluated 2024-12-17.

Conditions:
Hereditary cancer-predisposing syndrome. Also called: Neoplastic Syndromes, Hereditary; Tumor predisposition; Hereditary Cancer Syndrome; Hereditary neoplastic syndrome. Identifiers: Orphanet 140162, MedGen C0027672, MeSH D009386, MONDO:0015356.

Submissions (2):

Ambry Genetics
Classification: Uncertain significance for Hereditary cancer-predisposing syndrome. Last evaluated: 2024-12-17. Review status: criteria provided, single submitter. Criteria: Ambry Variant Classification Scheme 2023. Collection method: clinical testing. Allele origin: germline.
Comment: The p.C1873S variant (also known as c.5618G>C), located in coding exon 36 of the ATM gene, results from a G to C substitution at nucleotide position 5618. The cysteine at codon 1873 is replaced by serine, an amino acid with dissimilar properties. This amino acid position is conserved. In addition, this alteration is predicted to be tolerated by in silico analysis. Based on the available evidence, the clinical significance of this variant remains unclear.

GeneDx
Classification: Uncertain significance. Last evaluated: 2022-06-10. Review status: criteria provided, single submitter. Criteria: GeneDx Variant Classification Process June 2021. Collection method: clinical testing. Allele origin: germline. Affected: yes.
Comment: Not observed at significant frequency in large population cohorts (gnomAD); In silico analysis supports that this missense variant has a deleterious effect on protein structure/function; Has not been previously published as pathogenic or benign to our knowledge

NM_000051.4(ATM):c.5618G>C (p.Cys1873Ser)

Gene: ATM (ATM serine/threonine kinase; plus strand). Cytogenetic location: 11q22.3.
Variant type: single nucleotide variant.
Coding change: c.5618G>C on transcript NM_000051.4 (MANE Select); coding-DNA position 5618, G replaced by C.
Protein change: p.Cys1873Ser; replaces cysteine 1873 with serine.
Molecular consequence: missense variant.
Genome position (GRCh38, 1-based): chr11:108,304,796, G>C. VCF-style: chr11-108304796-G-C. GRCh37 (hg19) VCF-style: chr11-108175523-G-C.
Other names: c.5618G>C, p.Cys1873Ser (NM_001351834.2); short protein forms C1873S.
Identifiers: ClinVar variation 1803421 (VCV001803421.2), dbSNP rs587782239, ClinGen allele CA382546326.